The following is an entry in ClinVar:

ClinVar aggregate classification (germline): Uncertain significance (1 of 4 stars; one submission).

Submission:

Labcorp Genetics (formerly Invitae), Labcorp
Classification: Uncertain significance. Last evaluated: 2022-07-19. Review status: criteria provided, single submitter. Criteria: Invitae Variant Classification Sherloc (09022015). Collection method: clinical testing. Allele origin: germline.
Comment: In summary, the available evidence is currently insufficient to determine the role of this variant in disease. Therefore, it has been classified as a Variant of Uncertain Significance. Algorithms developed to predict the effect of missense changes on protein structure and function are either unavailable or do not agree on the potential impact of this missense change (SIFT: "Not Available"; PolyPhen-2: "Possibly Damaging"; Align-GVGD: "Not Available"). This variant has not been reported in the literature in individuals affected with FBN3-related conditions. Information on the frequency of this variant in the gnomAD database is not available, as this variant may be reported differently in the database. This sequence change replaces arginine, which is basic and polar, with glutamine, which is neutral and polar, at codon 2751 of the FBN3 protein (p.Arg2751Gln).

NM_032447.5(FBN3):c.8252_8253delinsAA (p.Arg2751Gln)

Gene: FBN3 (fibrillin 3; minus strand). Cytogenetic location: 19p13.2.
Variant type: Indel.
Coding change: c.8252_8253delinsAA on transcript NM_032447.5 (MANE Select); coding-DNA positions 8252 to 8253, GC replaced by AA.
Protein change: p.Arg2751Gln; replaces arginine 2751 with glutamine.
Molecular consequence: missense variant.
Genome position (GRCh38, 1-based): chr19:8,066,096-8,066,097, GC replaced by TT on the plus strand (GC replaced by AA on the coding strand, the reverse complement: FBN3 is on the minus strand). VCF-style: chr19-8066096-GC-TT. GRCh37 (hg19) VCF-style: chr19-8130980-GC-TT.
Other names: c.8252_8253delinsAA, p.Arg2751Gln (NM_001321431.2); short protein forms R2751Q.
Identifiers: ClinVar variation 2187798 (VCV002187798.4), dbSNP rs2512492772, ClinGen allele CA2580097120.
Genomic context (GRCh38, chr19:8,066,096, plus strand): 5'-TCCAGGCCCCGGCCGCCTCCGCCCCAGCTGCAGGGAGCTGACGCCACGGAGGTGATGCAT[GC>TT]GAAAGAAACCTTGCTCGTTTCCGCGGACGATGACGTAGCGGATCCGGCCCTCTAGACCCT-3'
Protein context (NP_115823.3, residues 2741-2761): IVRGNEQGFF[Arg2751Gln]MHHLRGVSSL